The following is an entry in ClinVar:

ClinVar aggregate classification (germline): Conflicting classifications of pathogenicity. Review status: criteria provided, conflicting classifications (1 of 4 stars). 2 submissions from 2 submitters: Likely pathogenic (1); Uncertain significance (1). Last evaluated 2024-05-21.

Conditions:
Immunodeficiency 19 (IMD19). Also called: CD3-DELTA DEFICIENCY; SEVERE COMBINED IMMUNODEFICIENCY, T CELL-NEGATIVE, B CELL-POSITIVE, NK CELL-POSITIVE; SCID, T CELL-NEGATIVE, B CELL-POSITIVE, NK CELL-POSITIVE; IMMUNODEFICIENCY 19, SEVERE COMBINED. Identifiers: MedGen C3810147, MONDO:0014280, OMIM 615617.

Allele frequency attached by ClinVar (database versions not stated): gnomAD exomes 0.00002; ExAC 0.00002; gnomAD 0.00001; TOPMed 0.00001.
gnomAD v4.1: 28 of 1,613,740 alleles (0.0017%); highest among the groups gnomAD compares: East Asian, 0.0022%; no homozygotes.

Submissions (2):

Fulgent Genetics
Classification: Likely pathogenic for Immunodeficiency 19. Last evaluated: 2024-05-21. Review status: criteria provided, single submitter. Criteria: ACMG Guidelines, 2015. Collection method: clinical testing. Allele origin: germline.

Labcorp Genetics (formerly Invitae), Labcorp
Classification: Uncertain significance for Immunodeficiency 19. Last evaluated: 2022-06-27. Review status: criteria provided, single submitter. Criteria: Invitae Variant Classification Sherloc (09022015). Collection method: clinical testing. Allele origin: germline.
Comment: This sequence change creates a premature translational stop signal (p.Arg153*) in the CD3D gene. While this is not anticipated to result in nonsense mediated decay, it is expected to disrupt the last 19 amino acid(s) of the CD3D protein. This variant is present in population databases (rs201994476, gnomAD 0.006%). This variant has not been reported in the literature in individuals affected with CD3D-related conditions. ClinVar contains an entry for this variant (Variation ID: 940758). Experimental studies and prediction algorithms are not available or were not evaluated, and the functional significance of this variant is currently unknown. In summary, the available evidence is currently insufficient to determine the role of this variant in disease. Therefore, it has been classified as a Variant of Uncertain Significance.

NM_000732.6(CD3D):c.457C>T (p.Arg153Ter)

Gene: CD3D (CD3 delta subunit of T-cell receptor complex; minus strand). Cytogenetic location: 11q23.3.
Variant type: single nucleotide variant.
Coding change: c.457C>T on transcript NM_000732.6 (MANE Select); coding-DNA position 457, C replaced by T.
Protein change: p.Arg153Ter; replaces arginine 153 with a stop codon.
Molecular consequence: nonsense.
Genome position (GRCh38, 1-based): chr11:118,339,221, G>A on the plus strand (C>T on the coding strand, the complement: CD3D is on the minus strand). VCF-style: chr11-118339221-G-A. GRCh37 (hg19) VCF-style: chr11-118209936-G-A.
Other names: c.325C>T, p.Arg109Ter (NM_001040651.2); short protein forms R153*, R109*.
Identifiers: ClinVar variation 940758 (VCV000940758.6), dbSNP rs201994476, ClinGen allele CA6301847.